The following is an entry in ClinVar:

NM_001017975.6(HFM1):c.2562_2563del (p.Glu856fs)

Gene: HFM1 (helicase for meiosis 1; minus strand). Cytogenetic location: 1p22.2.
Variant type: Deletion.
Coding change: c.2562_2563del on transcript NM_001017975.6 (MANE Select); coding-DNA positions 2562 to 2563, 2 bases deleted (AA; older notation c.2562_2563delAA).
Protein change: p.Glu856fs; shifts the reading frame from glutamic acid 856.
Molecular consequence: frameshift variant. On other transcripts: non-coding transcript variant (1).
Genome position (GRCh38, 1-based): chr1:91,322,969-91,322,970, TT deleted on the plus strand (AA on the coding strand, the reverse complement: HFM1 is on the minus strand). VCF-style (leftmost placement, unchanged base first): chr1-91322968-CTT-C. GRCh37 (hg19) VCF-style: chr1-91788525-CTT-C.
Other names: c.2562_2563delAA (NM_001017975.6); short protein forms E856fs.
Identifiers: ClinVar variation 1332985 (VCV001332985.3), dbSNP rs763202322.

ClinVar aggregate classification (germline): Likely pathogenic. Review status: criteria provided, multiple submitters, no conflicts (2 of 4 stars). 2 submissions from 2 submitters: Likely pathogenic (2). Last evaluated 2025-07-11.

Conditions:
HFM1-related disorder. Also called: HFM1-related condition.
Premature ovarian failure 9 (POF9). Identifiers: MedGen C3810376, MONDO:0014322, OMIM 615724.

Allele frequency attached by ClinVar (database versions not stated): gnomAD exomes 0.00001; gnomAD 0.00002 and 0.00001; ESP Exome Variant Server 0.00008; TOPMed 0.00002; ExAC 0.00003.

Submissions (2):

3billion
Classification: Likely pathogenic for HFM1-related disorder. Last evaluated: 2025-07-11. Review status: criteria provided, single submitter. Criteria: ACMG Guidelines, 2015. Collection method: clinical testing. Allele origin: germline. Affected: yes.
Comment: The variant is observed at an extremely low frequency in the gnomAD v4.1.0 dataset (total allele frequency: 0.001%). Predicted Consequence/Location: Frameshift: predicted to result in a loss or disruption of normal protein function through nonsense-mediated decay (NMD) or protein truncation. Multiple pathogenic variants are reported downstream of the variant. Functional studies provide moderate evidence of the variant having a damaging effect on the gene or gene product (PMID: 35526155). The variant has been reported to be associated with HFM1-related disorder (ClinVar ID: VCV001332985 /PMID: 35526155). Therefore, this variant is classified as Likely pathogenic according to the recommendation of ACMG/AMP guideline.

Department of Pathology and Laboratory Medicine, Sinai Health System
Classification: Likely pathogenic for Premature ovarian failure 9. Last evaluated: 2022-11-09. Review status: criteria provided, single submitter. Criteria: ACMG Guidelines, 2015. Collection method: research. Allele origin: germline.

Literature cited by the submitters: PubMed 35526155 (cited by 3billion).